The following is an entry in ClinVar:

NC_000019.9:g.(?_589946)_(5696788_?)dup

Genes: ADAT3 (adenosine deaminase tRNA specific 3; plus strand), ABCA7 (ATP binding cassette subfamily A member 7; plus strand), ABHD17A (abhydrolase domain containing 17A, depalmitoylase; minus strand), ADAMTSL5 (ADAMTS like 5; minus strand), AMH (anti-Mullerian hormone; plus strand) and 148 more. Cytogenetic location: 19p13.3.
Variant type: Duplication.
Identifiers: ClinVar variation 2425228 (VCV002425228.5).

ClinVar aggregate classification (germline): Uncertain significance (1 of 4 stars; one submission).

Submission:

Labcorp Genetics (formerly Invitae), Labcorp
Classification: Uncertain significance. Last evaluated: 2022-04-10. Review status: criteria provided, single submitter. Criteria: Invitae Variant Classification Sherloc (09022015). Collection method: clinical testing. Allele origin: germline.
Comment: In summary, the available evidence is currently insufficient to determine the role of this variant in disease. Therefore, it has been classified as a Variant of Uncertain Significance. This variant has not been reported in the literature in individuals affected with LONP1-related conditions. This variant results in a copy number gain of the genomic region encompassing exon(s) 11-18 of the LONP1 gene. This region includes the termination codon of the gene. This copy number gain extends beyond the assayed region for this gene and therefore may encompass additional genes. This gain is likely not tandem and is located elsewhere in the genome